The following is an entry in ClinVar:

ClinVar aggregate classification (germline): Uncertain significance (1 of 4 stars; one submission).

Conditions:
COL4A2-related disorder. Also called: COL4A2-related disorders; COL4A2-related condition.

Allele frequency attached by ClinVar (database versions not stated): gnomAD exomes below 0.00001; gnomAD 0.00001; ExAC 0.00002; TOPMed 0.00002; ESP Exome Variant Server 0.00008.
gnomAD v4.1: 6 of 1,612,418 alleles (0.00037%); highest among the groups gnomAD compares: Non-Finnish European, 0.00051%; no homozygotes.

Submission:

PreventionGenetics, part of Exact Sciences
Classification: Uncertain significance for COL4A2-related condition. Last evaluated: 2023-01-27. Review status: criteria provided, single submitter. Criteria: ACMG Guidelines, 2015. Collection method: clinical testing. Allele origin: germline.
Comment: The COL4A2 c.1352G>A variant is predicted to result in the amino acid substitution p.Gly451Glu. To our knowledge, this variant has not been reported in the literature or in a large population database, indicating this variant is rare. This variant results in a glycine substitution in the collagen triple helical region of the COL4A2 protein (Alamut Visual v1.6.1) and glycine substitutions in this region are frequently pathogenic (Fidler et al. 2018. PubMed ID: 29632050). Although we suspect that this variant may be pathogenic, at this time, the clinical significance of this variant is uncertain due to the absence of conclusive functional and genetic evidence.

NM_001846.4(COL4A2):c.1352G>A (p.Gly451Glu)

Genes: COL4A2 (collagen type IV alpha 2 chain; plus strand), COL4A2-AS2 (COL4A2 antisense RNA 2; minus strand). Cytogenetic location: 13q34.
Variant type: single nucleotide variant.
Coding change: c.1352G>A on transcript NM_001846.4 (MANE Select); coding-DNA position 1352, G replaced by A.
Protein change: p.Gly451Glu; replaces glycine 451 with glutamic acid.
Molecular consequence: missense variant. On other transcripts: non-coding transcript variant (1).
Genome position (GRCh38, 1-based): chr13:110,457,355, G>A. VCF-style: chr13-110457355-G-A. GRCh37 (hg19) VCF-style: chr13-111109702-G-A.
Other names: short protein forms G451E.
Identifiers: ClinVar variation 2629899 (VCV002629899.1), dbSNP rs370700585, ClinGen allele CA7049501.